The following is an entry in ClinVar:

NM_138694.4(PKHD1):c.377G>A (p.Ser126Asn)

Gene: PKHD1 (PKHD1 ciliary IPT domain containing fibrocystin/polyductin; minus strand). Cytogenetic location: 6p12.2.
Variant type: single nucleotide variant.
Coding change: c.377G>A on transcript NM_138694.4 (MANE Select); coding-DNA position 377, G replaced by A.
Protein change: p.Ser126Asn; replaces serine 126 with asparagine.
Molecular consequence: missense variant.
Genome position (GRCh38, 1-based): chr6:52,079,913, C>T on the plus strand (G>A on the coding strand, the complement: PKHD1 is on the minus strand). VCF-style: chr6-52079913-C-T. GRCh37 (hg19) VCF-style: chr6-51944711-C-T.
Other names: c.377G>A, p.Ser126Asn (NM_170724.3); short protein forms S126N.
Identifiers: ClinVar variation 658714 (VCV000658714.10), dbSNP rs779094064, ClinGen allele CA138932166.

ClinVar aggregate classification (germline): Uncertain significance. Review status: criteria provided, single submitter (1 of 4 stars). 2 submissions from 2 submitters: Uncertain significance (1). 1 of the submissions does not count toward it. Last evaluated 2022-07-13.

Conditions:
Autosomal recessive polycystic kidney disease (ARPKD). Also called: AR polycystic kidney disease. Identifiers: Orphanet 731, Orphanet 8378, MedGen C0085548, MeSH D017044, MONDO:0009889.

Allele frequency attached by ClinVar (database versions not stated): TOPMed below 0.00001; gnomAD 0.00001; gnomAD exomes 0.00001.

Submissions (2):

Labcorp Genetics (formerly Invitae), Labcorp
Classification: Uncertain significance for Autosomal recessive polycystic kidney disease. Last evaluated: 2022-07-13. Review status: criteria provided, single submitter. Criteria: Invitae Variant Classification Sherloc (09022015). Collection method: clinical testing. Allele origin: germline.
Comment: This sequence change replaces serine, which is neutral and polar, with asparagine, which is neutral and polar, at codon 126 of the PKHD1 protein (p.Ser126Asn). This variant is present in population databases (rs779094064, gnomAD 0.007%). This variant has not been reported in the literature in individuals affected with PKHD1-related conditions. ClinVar contains an entry for this variant (Variation ID: 658714). Advanced modeling of protein sequence and biophysical properties (such as structural, functional, and spatial information, amino acid conservation, physicochemical variation, residue mobility, and thermodynamic stability) performed at Invitae indicates that this missense variant is not expected to disrupt PKHD1 protein function. In summary, the available evidence is currently insufficient to determine the role of this variant in disease. Therefore, it has been classified as a Variant of Uncertain Significance.

Natera, Inc.
Classification: Uncertain significance for Autosomal recessive polycystic kidney disease. Last evaluated: 2020-08-25. Review status: no assertion criteria provided. Collection method: clinical testing. Allele origin: germline. Not counted in ClinVar's aggregate classification.